The following is an entry in ClinVar:

NM_020822.3(KCNT1):c.2522+14G>A

Gene: KCNT1 (potassium sodium-activated channel subfamily T member 1; plus strand). Cytogenetic location: 9q34.3.
Variant type: single nucleotide variant.
Coding change: c.2522+14G>A on transcript NM_020822.3 (MANE Select); 14 bases into the intron after coding-DNA position 2522, G replaced by A.
Molecular consequence: intron variant.
Genome position (GRCh38, 1-based): chr9:135,777,524, G>A. VCF-style: chr9-135777524-G-A. GRCh37 (hg19) VCF-style: chr9-138669370-G-A.
Other names: c.2387+14G>A (NM_001272003.2).
Identifiers: ClinVar variation 386166 (VCV000386166.6), dbSNP rs947043112, ClinGen allele CA16605627.

ClinVar aggregate classification (germline): Likely benign. Review status: criteria provided, multiple submitters, no conflicts (2 of 4 stars). 2 submissions from 2 submitters: Likely benign (2). Last evaluated 2024-11-13.

Conditions:
Developmental and epileptic encephalopathy, 14 (DEE14). Also called: Early infantile epileptic encephalopathy 14. Identifiers: Orphanet 293181, MedGen C3554195, MONDO:0013989, OMIM 614959.
Autosomal dominant nocturnal frontal lobe epilepsy 5. Also called: KCNT1-Related Epilepsy; CILIARY DYSKINESIA, PRIMARY, 28, WITHOUT SITUS INVERSUS; CILIARY DYSKINESIA, PRIMARY, 28, WITH SITUS INVERSUS; Epilepsy, nocturnal frontal lobe, 5. Identifiers: Orphanet 98784, MedGen C3554306, MONDO:0014002, OMIM 615005.

Allele frequency attached by ClinVar (database versions not stated): gnomAD 0.00001; TOPMed 0.00001; gnomAD exomes 0.00003.
gnomAD v4.1: 46 of 1,609,766 alleles (0.0029%); highest among the groups gnomAD compares: Non-Finnish European, 0.0039%; no homozygotes.

Submissions (2):

Labcorp Genetics (formerly Invitae), Labcorp
Classification: Likely benign for Autosomal dominant nocturnal frontal lobe epilepsy 5; Developmental and epileptic encephalopathy, 14. Last evaluated: 2024-11-13. Review status: criteria provided, single submitter. Criteria: Invitae Variant Classification Sherloc (09022015). Collection method: clinical testing. Allele origin: germline.

GeneDx
Classification: Likely benign. Last evaluated: 2016-05-12. Review status: criteria provided, single submitter. Criteria: GeneDx Variant Classification (06012015). Collection method: clinical testing. Allele origin: germline. Affected: yes.
Comment: This variant is considered likely benign or benign based on one or more of the following criteria: it is a conservative change, it occurs at a poorly conserved position in the protein, it is predicted to be benign by multiple in silico algorithms, and/or has population frequency not consistent with disease.